The following is an entry in ClinVar:

NC_000004.11:g.(?_151186874)_(151186984_?)dup

Gene: LRBA (LPS responsive beige-like anchor protein; minus strand). Cytogenetic location: 4q31.3.
Variant type: Duplication.
Identifiers: ClinVar variation 2425637 (VCV002425637.4).

ClinVar aggregate classification (germline): Uncertain significance (1 of 4 stars; one submission).

Conditions:
Combined immunodeficiency due to LRBA deficiency. Also called: Common variable immunodeficiency 8, with autoimmunity. Identifiers: Orphanet 445018, MedGen C3553512, MONDO:0013863, OMIM 614700.

Submission:

Labcorp Genetics (formerly Invitae), Labcorp
Classification: Uncertain significance for Combined immunodeficiency due to LRBA deficiency. Last evaluated: 2022-06-10. Review status: criteria provided, single submitter. Criteria: Invitae Variant Classification Sherloc (09022015). Collection method: clinical testing. Allele origin: germline.
Comment: In summary, the available evidence is currently insufficient to determine the role of this variant in disease. Therefore, it has been classified as a Variant of Uncertain Significance. This variant has not been reported in the literature in individuals affected with LRBA-related conditions. This variant results in a copy number gain of the genomic region encompassing exon(s) 58 of the LRBA gene. This region includes the termination codon of the gene. This copy number gain extends beyond the assayed region for this gene and therefore may encompass additional genes. As the precise location of this event is unknown, it may be in tandem or it may be located elsewhere in the genome.